The following is an entry in ClinVar:

ClinVar aggregate classification (germline): Uncertain significance (1 of 4 stars; one submission).

Conditions:
Nephronophthisis 15 (NPHP15). Identifiers: Orphanet 3156, MedGen C3541853, MONDO:0013917, OMIM 614845.

Submission:

Labcorp Genetics (formerly Invitae), Labcorp
Classification: Uncertain significance for Nephronophthisis 15. Last evaluated: 2025-04-21. Review status: criteria provided, single submitter. Criteria: Invitae Variant Classification Sherloc (09022015). Collection method: clinical testing. Allele origin: germline.
Comment: This sequence change replaces lysine, which is basic and polar, with asparagine, which is neutral and polar, at codon 1167 of the CEP164 protein (p.Lys1167Asn). This variant also falls at the last nucleotide of exon 27, which is part of the consensus splice site for this exon. This variant is not present in population databases (gnomAD no frequency). This variant has not been reported in the literature in individuals affected with CEP164-related conditions. ClinVar contains an entry for this variant (Variation ID: 2077894). An algorithm developed to predict the effect of missense changes on protein structure and function (PolyPhen-2) suggests that this variant is likely to be tolerated. Variants that disrupt the consensus splice site are a relatively common cause of aberrant splicing (PMID: 17576681, 9536098). Algorithms developed to predict the effect of sequence changes on RNA splicing suggest that this variant may disrupt the consensus splice site. In summary, the available evidence is currently insufficient to determine the role of this variant in disease. Therefore, it has been classified as a Variant of Uncertain Significance.

Literature cited by the submitters: PubMed 17576681; PubMed 9536098.

NM_014956.5(CEP164):c.3501G>T (p.Lys1167Asn)

Gene: CEP164 (centrosomal protein 164; plus strand). Cytogenetic location: 11q23.3.
Variant type: single nucleotide variant.
Coding change: c.3501G>T on transcript NM_014956.5 (MANE Select); coding-DNA position 3501, G replaced by T.
Protein change: p.Lys1167Asn; replaces lysine 1167 with asparagine.
Molecular consequence: missense variant.
Genome position (GRCh38, 1-based): chr11:117,397,313, G>T. VCF-style: chr11-117397313-G-T. GRCh37 (hg19) VCF-style: chr11-117268029-G-T.
Other names: c.3510G>T, p.Lys1170Asn (NM_001271933.2); short protein forms K1170N, K1167N.
Identifiers: ClinVar variation 2077894 (VCV002077894.4), dbSNP rs2136505455, ClinGen allele CA382737366.